The following is an entry in ClinVar:

ClinVar aggregate classification (germline): Uncertain significance (1 of 4 stars; one submission).

Conditions:
Familial cancer of breast. Also called: hereditary breast carcinoma; BREAST CANCER, FAMILIAL; Hereditary breast cancer. Identifiers: Orphanet 227535, MedGen C0346153, MONDO:0016419, OMIM 114480. Disease mechanism: loss of function.

Submission:

Labcorp Genetics (formerly Invitae), Labcorp
Classification: Uncertain significance for Familial cancer of breast. Last evaluated: 2022-01-19. Review status: criteria provided, single submitter. Criteria: Invitae Variant Classification Sherloc (09022015). Collection method: clinical testing. Allele origin: germline.
Comment: In summary, the available evidence is currently insufficient to determine the role of this variant in disease. Therefore, it has been classified as a Variant of Uncertain Significance. Experimental studies and prediction algorithms are not available or were not evaluated, and the functional significance of this variant is currently unknown. This variant has not been reported in the literature in individuals affected with BARD1-related conditions. This variant is not present in population databases (gnomAD no frequency). This variant, c.2056_2067del, results in the deletion of 4 amino acid(s) of the BARD1 protein (p.His686_Asp689del), but otherwise preserves the integrity of the reading frame.

NM_000465.4(BARD1):c.2056_2067del (p.His686_Asp689del)

Gene: BARD1 (BRCA1 associated RING domain 1; minus strand). Cytogenetic location: 2q35.
Variant type: Deletion.
Coding change: c.2056_2067del on transcript NM_000465.4 (MANE Select); coding-DNA positions 2056 to 2067, 12 bases deleted (CATCCAAAGGAC).
Protein change: p.His686_Asp689del.
Molecular consequence: inframe deletion. On other transcripts: non-coding transcript variant (3).
Genome position (GRCh38, 1-based): chr2:214,728,943-214,728,954, GTCCTTTGGATG deleted on the plus strand (CATCCAAAGGAC on the coding strand, the reverse complement: BARD1 is on the minus strand); deleting any 12 consecutive bases within chr2:214,728,943-214,728,956 gives the same sequence; the c. name uses the placement nearest the transcript's 3' end. VCF-style (leftmost placement, unchanged base first): chr2-214728942-TGTCCTTTGGATG-T. GRCh37 (hg19) VCF-style: chr2-215593666-TGTCCTTTGGATG-T.
Other names: c.1999_2010del, p.His667_Asp670del (NM_001282543.2); c.703_714del, p.His235_Asp238del (NM_001282545.2); c.646_657del, p.His216_Asp219del (NM_001282548.2); c.517_528del, p.His173_Asp176del (NM_001282549.2).
Identifiers: ClinVar variation 2087984 (VCV002087984.4), dbSNP rs2469270797, ClinGen allele CA2580065642.